The following is an entry in ClinVar:

ClinVar aggregate classification (germline): Uncertain significance (1 of 4 stars; one submission).

Conditions:
Early-infantile DEE. Also called: Early infantile epileptic encephalopathy; Ohtahara syndrome; Early infantile epileptic encephalopathy with suppression bursts. Identifiers: Orphanet 1934, MedGen C0393706, MONDO:0800491.

Submission:

Labcorp Genetics (formerly Invitae), Labcorp
Classification: Uncertain significance for Early-infantile DEE. Last evaluated: 2022-04-25. Review status: criteria provided, single submitter. Criteria: Invitae Variant Classification Sherloc (09022015). Collection method: clinical testing. Allele origin: germline.
Comment: This variant is not present in population databases (gnomAD no frequency). In summary, the available evidence is currently insufficient to determine the role of this variant in disease. Therefore, it has been classified as a Variant of Uncertain Significance. Advanced modeling of protein sequence and biophysical properties (such as structural, functional, and spatial information, amino acid conservation, physicochemical variation, residue mobility, and thermodynamic stability) performed at Invitae indicates that this missense variant is not expected to disrupt HCN1 protein function. This variant has not been reported in the literature in individuals affected with HCN1-related conditions. This sequence change replaces isoleucine, which is neutral and non-polar, with phenylalanine, which is neutral and non-polar, at codon 600 of the HCN1 protein (p.Ile600Phe).

NM_021072.4(HCN1):c.1798A>T (p.Ile600Phe)

Gene: HCN1 (hyperpolarization activated cyclic nucleotide gated potassium channel 1; minus strand). Cytogenetic location: 5p12.
Variant type: single nucleotide variant.
Coding change: c.1798A>T on transcript NM_021072.4 (MANE Select); coding-DNA position 1798, A replaced by T.
Protein change: p.Ile600Phe; replaces isoleucine 600 with phenylalanine.
Molecular consequence: missense variant.
Genome position (GRCh38, 1-based): chr5:45,262,796, T>A on the plus strand (A>T on the coding strand, the complement: HCN1 is on the minus strand). VCF-style: chr5-45262796-T-A. GRCh37 (hg19) VCF-style: chr5-45262898-T-A.
Other names: short protein forms I600F.
Identifiers: ClinVar variation 2130768 (VCV002130768.4), dbSNP rs2111840202, ClinGen allele CA359704780.